The following is an entry in ClinVar:

NM_000245.4(MET):c.2015G>A (p.Gly672Asp)

Gene: MET (MET proto-oncogene, receptor tyrosine kinase; plus strand). Cytogenetic location: 7q31.2.
Variant type: single nucleotide variant.
Coding change: c.2015G>A on transcript NM_000245.4 (MANE Select); coding-DNA position 2015, G replaced by A.
Protein change: p.Gly672Asp; replaces glycine 672 with aspartic acid.
Molecular consequence: missense variant.
Genome position (GRCh38, 1-based): chr7:116,757,687, G>A. VCF-style: chr7-116757687-G-A. GRCh37 (hg19) VCF-style: chr7-116397741-G-A.
Other names: c.2015G>A, p.Gly672Asp (NM_001127500.3, NM_001324401.3); c.725G>A, p.Gly242Asp (NM_001324402.2); short protein forms G242D, G672D.
Identifiers: ClinVar variation 1400454 (VCV001400454.12), dbSNP rs2116923826, ClinGen allele CA368979752.

ClinVar aggregate classification (germline): Uncertain significance. Review status: criteria provided, multiple submitters, no conflicts (2 of 4 stars). 4 submissions from 4 submitters: Uncertain significance (4). Last evaluated 2024-12-10.

Conditions:
Autosomal recessive nonsyndromic hearing loss 97. Also called: Deafness, autosomal recessive 97. Identifiers: Orphanet 90636, MedGen C4084709, MONDO:0014739, OMIM 616705.
Renal cell carcinoma. Identifiers: Orphanet 217071, MedGen C0007134, MeSH D002292, MONDO:0005086, HP:0005584.
Hereditary cancer-predisposing syndrome. Also called: Hereditary Cancer Syndrome; Hereditary neoplastic syndrome; Tumor predisposition; Neoplastic Syndromes, Hereditary. Identifiers: Orphanet 140162, MedGen C0027672, MeSH D009386, MONDO:0015356.

Allele frequency attached by ClinVar (database versions not stated): gnomAD exomes below 0.00001.

Submissions (4):

Labcorp Genetics (formerly Invitae), Labcorp
Classification: Uncertain significance for Renal cell carcinoma. Last evaluated: 2024-12-10. Review status: criteria provided, single submitter. Criteria: Invitae Variant Classification Sherloc (09022015). Collection method: clinical testing. Allele origin: germline.
Comment: This sequence change replaces glycine, which is neutral and non-polar, with aspartic acid, which is acidic and polar, at codon 672 of the MET protein (p.Gly672Asp). This variant is not present in population databases (gnomAD no frequency). This variant has not been reported in the literature in individuals affected with MET-related conditions. ClinVar contains an entry for this variant (Variation ID: 1400454). Invitae Evidence Modeling of protein sequence and biophysical properties (such as structural, functional, and spatial information, amino acid conservation, physicochemical variation, residue mobility, and thermodynamic stability) indicates that this missense variant is expected to disrupt MET protein function with a positive predictive value of 80%. In summary, the available evidence is currently insufficient to determine the role of this variant in disease. Therefore, it has been classified as a Variant of Uncertain Significance.

Ambry Genetics
Classification: Uncertain significance for Hereditary cancer-predisposing syndrome. Last evaluated: 2024-02-20. Review status: criteria provided, single submitter. Criteria: Ambry Variant Classification Scheme 2023. Collection method: clinical testing. Allele origin: germline.
Comment: The p.G672D variant (also known as c.2015G>A), located in coding exon 7 of the MET gene, results from a G to A substitution at nucleotide position 2015. The glycine at codon 672 is replaced by aspartic acid, an amino acid with similar properties. This amino acid position is well conserved in available vertebrate species. In addition, this alteration is predicted to be deleterious by in silico analysis. Since supporting evidence is limited at this time, the clinical significance of this alteration remains unclear.

Baylor Genetics
Classification: Uncertain significance for Autosomal recessive nonsyndromic hearing loss 97. Last evaluated: 2023-10-16. Review status: criteria provided, single submitter. Criteria: ACMG Guidelines, 2015. Collection method: clinical testing. Allele origin: unknown.

Sema4
Classification: Uncertain significance for Hereditary cancer-predisposing syndrome. Last evaluated: 2022-02-27. Review status: criteria provided, single submitter. Criteria: Sema4 Curation Guidelines. Collection method: curation. Allele origin: germline.
Comment: The MET c.2015G>A (p.G672D) variant has not been reported in the literature to our knowledge. This variant is not reported in the Genome Aggregation Database (PMID: 32461654). The variant has not been reported in ClinVar. In silico tools suggest the impact of the variant on protein function is deleterious, though these predictions have not been confirmed by functional studies. The evidence is insufficient to meet ACMG/AMP criteria for classifying the variant as benign or pathogenic. Thus, the clinical significance of this variant is currently uncertain.